The following is an entry in ClinVar:

NM_003001.5(SDHC):c.*89G>T

Gene: SDHC (succinate dehydrogenase complex subunit C; plus strand). Cytogenetic location: 1q23.3.
Variant type: single nucleotide variant.
Coding change: c.*89G>T on transcript NM_003001.5 (MANE Select); 89 bases downstream of the stop codon, G replaced by T.
Molecular consequence: 3 prime UTR variant. On other transcripts: missense variant (3), non-coding transcript variant (1).
Genome position (GRCh38, 1-based): chr1:161,362,522, G>T. VCF-style: chr1-161362522-G-T. GRCh37 (hg19) VCF-style: chr1-161332312-G-T.
Other names: c.*89G>T (NM_001407116.1, NM_001407117.1, NM_001407118.1 and 5 more transcripts); c.378G>T, p.Lys126Asn (NM_001407121.1); c.435G>T, p.Lys145Asn (NM_001035511.3); c.333G>T, p.Lys111Asn (NM_001278172.3); short protein forms K111N, K145N, K126N.
Identifiers: ClinVar variation 5029304 (VCV005029304.1).

ClinVar aggregate classification (germline): Uncertain significance (1 of 4 stars; one submission).

Conditions:
Hereditary cancer-predisposing syndrome. Also called: Neoplastic Syndromes, Hereditary; Tumor predisposition; Hereditary neoplastic syndrome; Hereditary Cancer Syndrome. Identifiers: Orphanet 140162, MedGen C0027672, MeSH D009386, MONDO:0015356.

gnomAD v4.1: 2 of 1,609,026 alleles (0.00012%); highest among the groups gnomAD compares: Non-Finnish European, 0.00017%; no homozygotes.

Submission:

Ambry Genetics
Classification: Uncertain significance for Hereditary cancer-predisposing syndrome. Last evaluated: 2026-07-02. Review status: criteria provided, single submitter. Criteria: Ambry Variant Classification Scheme 2023. Collection method: clinical testing. Allele origin: germline.
Comment: The p.K145N variant (also known as c.435G>T), located in coding exon 5 of the SDHC gene, results from a G to T substitution at nucleotide position 435. The lysine at codon 145 is replaced by asparagine, an amino acid with similar properties. This amino acid position is conserved. In addition, this alteration is predicted to be tolerated by in silico analysis. Based on the available evidence, the clinical significance of this variant remains unclear.